The following is an entry in ClinVar:

ClinVar aggregate classification (germline): Uncertain significance (1 of 4 stars; one submission).

Conditions:
Candidiasis, familial, 9 (CANDF9). Identifiers: Orphanet 1334, MedGen C4225324, MONDO:0014642, OMIM 616445.

Allele frequency attached by ClinVar (database versions not stated): gnomAD exomes below 0.00001.
gnomAD v4.1: 1 of 1,614,210 alleles (0.000062%); highest among the groups gnomAD compares: Non-Finnish European, 0.000085%; no homozygotes.

Submission:

Labcorp Genetics (formerly Invitae), Labcorp
Classification: Uncertain significance for Candidiasis, familial, 9. Last evaluated: 2021-02-26. Review status: criteria provided, single submitter. Criteria: Invitae Variant Classification Sherloc (09022015). Collection method: clinical testing. Allele origin: germline.
Comment: In summary, the available evidence is currently insufficient to determine the role of this variant in disease. Therefore, it has been classified as a Variant of Uncertain Significance. Algorithms developed to predict the effect of missense changes on protein structure and function (SIFT, PolyPhen-2, Align-GVGD) all suggest that this variant is likely to be tolerated, but these predictions have not been confirmed by published functional studies and their clinical significance is uncertain. This variant has not been reported in the literature in individuals with IL17RC-related conditions. This variant is not present in population databases (ExAC no frequency). This sequence change replaces leucine with phenylalanine at codon 57 of the IL17RC protein (p.Leu57Phe). The leucine residue is weakly conserved and there is a small physicochemical difference between leucine and phenylalanine.

NM_153460.4(IL17RC):c.105+64C>T

Gene: IL17RC (interleukin 17 receptor C; plus strand). Cytogenetic location: 3p25.3.
Variant type: single nucleotide variant.
Coding change: c.105+64C>T on transcript NM_153460.4 (MANE Select); 64 bases into the intron after coding-DNA position 105, C replaced by T.
Molecular consequence: intron variant. On other transcripts: missense variant (1).
Genome position (GRCh38, 1-based): chr3:9,917,484, C>T. VCF-style: chr3-9917484-C-T. GRCh37 (hg19) VCF-style: chr3-9959168-C-T.
Other names: c.169C>T, p.Leu57Phe (NM_153461.4); c.105+64C>T (NM_001203263.2, NM_001203264.2, NM_001367278.1 and 4 more transcripts); short protein forms L57F.
Identifiers: ClinVar variation 848893 (VCV000848893.6), dbSNP rs2083177870, ClinGen allele CA351753584.
Genomic context (GRCh38, chr3:9,917,484, plus strand): 5'-AGTCTGGAACCCTGGGGAGACGAGGAAAGGCTCAGGGTTCAGTTTTTGGCTCAGCAAAGC[C>T]TTAGCCTGGCTCCTGTCACTGCTGCCACTGCCAGAACTGCCCTGTCTGGTCTGTCTGGTG-3'